The following is an entry in ClinVar:

NM_001384732.1(CPLANE1):c.6763C>A (p.Pro2255Thr)

Gene: CPLANE1 (ciliogenesis and planar polarity effector complex subunit 1; minus strand). Cytogenetic location: 5p13.2.
Variant type: single nucleotide variant.
Coding change: c.6763C>A on transcript NM_001384732.1 (MANE Select); coding-DNA position 6763, C replaced by A.
Protein change: p.Pro2255Thr; replaces proline 2255 with threonine.
Molecular consequence: missense variant.
Genome position (GRCh38, 1-based): chr5:37,169,261, G>T on the plus strand (C>A on the coding strand, the complement: CPLANE1 is on the minus strand). VCF-style: chr5-37169261-G-T. GRCh37 (hg19) VCF-style: chr5-37169363-G-T.
Other names: c.6763C>A, p.Pro2255Thr (NM_023073.4); short protein forms P2255T.
Identifiers: ClinVar variation 1504337 (VCV001504337.8), dbSNP rs2150937064, ClinGen allele CA359479850.

ClinVar aggregate classification (germline): Uncertain significance (1 of 4 stars; one submission).

Submission:

Labcorp Genetics (formerly Invitae), Labcorp
Classification: Uncertain significance. Last evaluated: 2023-11-27. Review status: criteria provided, single submitter. Criteria: Invitae Variant Classification Sherloc (09022015). Collection method: clinical testing. Allele origin: germline.
Comment: This sequence change replaces proline, which is neutral and non-polar, with threonine, which is neutral and polar, at codon 2255 of the CPLANE1 protein (p.Pro2255Thr). This variant is not present in population databases (gnomAD no frequency). This variant has not been reported in the literature in individuals affected with CPLANE1-related conditions. ClinVar contains an entry for this variant (Variation ID: 1504337). Advanced modeling of protein sequence and biophysical properties (such as structural, functional, and spatial information, amino acid conservation, physicochemical variation, residue mobility, and thermodynamic stability) performed at Invitae indicates that this missense variant is not expected to disrupt CPLANE1 protein function with a negative predictive value of 95%. In summary, the available evidence is currently insufficient to determine the role of this variant in disease. Therefore, it has been classified as a Variant of Uncertain Significance.